The following is an entry in ClinVar:

NM_000264.5(PTCH1):c.1144G>A (p.Val382Ile)

Gene: PTCH1 (patched 1; minus strand). Cytogenetic location: 9q22.32.
Variant type: single nucleotide variant.
Coding change: c.1144G>A on transcript NM_000264.5 (MANE Select); coding-DNA position 1144, G replaced by A.
Protein change: p.Val382Ile; replaces valine 382 with isoleucine.
Molecular consequence: missense variant. On other transcripts: non-coding transcript variant (1).
Genome position (GRCh38, 1-based): chr9:95,479,071, C>T on the plus strand (G>A on the coding strand, the complement: PTCH1 is on the minus strand). VCF-style: chr9-95479071-C-T. GRCh37 (hg19) VCF-style: chr9-98241353-C-T.
Other names: c.946G>A, p.Val316Ile (NM_001083602.3); c.1141G>A, p.Val381Ile (NM_001083603.3); c.691G>A, p.Val231Ile (NM_001083604.3, NM_001083605.3, NM_001083606.3 and 1 more transcripts); c.1144G>A, p.Val382Ile (NM_001354918.2); short protein forms V231I, V316I, V382I, V381I.
Identifiers: ClinVar variation 941691 (VCV000941691.10), dbSNP rs1841323482, ClinGen allele CA374119366.

ClinVar aggregate classification (germline): Uncertain significance (1 of 4 stars; one submission).

Conditions:
Gorlin syndrome. Also called: Nevoid Basal Cell Carcinoma Syndrome; Basal cell nevus syndrome. Identifiers: Orphanet 377, MedGen C0004779, MONDO:0007187.

Allele frequency attached by ClinVar (database versions not stated): gnomAD exomes below 0.00001.

Submission:

Labcorp Genetics (formerly Invitae), Labcorp
Classification: Uncertain significance for Gorlin syndrome. Last evaluated: 2019-05-13. Review status: criteria provided, single submitter. Criteria: Invitae Variant Classification Sherloc (09022015). Collection method: clinical testing. Allele origin: germline.
Comment: Algorithms developed to predict the effect of missense changes on protein structure and function (SIFT, PolyPhen-2, Align-GVGD) all suggest that this variant is likely to be tolerated, but these predictions have not been confirmed by published functional studies and their clinical significance is uncertain. This variant has not been reported in the literature in individuals with PTCH1-related conditions. This variant is not present in population databases (ExAC no frequency). This sequence change replaces valine with isoleucine at codon 382 of the PTCH1 protein (p.Val382Ile). The valine residue is moderately conserved and there is a small physicochemical difference between valine and isoleucine. In summary, the available evidence is currently insufficient to determine the role of this variant in disease. Therefore, it has been classified as a Variant of Uncertain Significance.